The following is an entry in ClinVar:

NM_000038.6(APC):c.8444A>G (p.Lys2815Arg)

Gene: APC (APC regulator of Wnt signaling pathway; plus strand). Cytogenetic location: 5q22.2.
Variant type: single nucleotide variant.
Coding change: c.8444A>G on transcript NM_000038.6 (MANE Select); coding-DNA position 8444, A replaced by G.
Protein change: p.Lys2815Arg; replaces lysine 2815 with arginine.
Molecular consequence: missense variant. On other transcripts: non-coding transcript variant (2).
Genome position (GRCh38, 1-based): chr5:112,844,038, A>G. VCF-style: chr5-112844038-A-G. GRCh37 (hg19) VCF-style: chr5-112179735-A-G.
Other names: c.8057A>G, p.Lys2686Arg (NM_001407469.1, NM_001407467.1); c.7595A>G, p.Lys2532Arg (NM_001407470.1, NM_001354906.2); c.7292A>G, p.Lys2431Arg (NM_001407472.1, NM_001407471.1); c.8444A>G, p.Lys2815Arg (NM_001127510.3, NM_001354895.2, NM_001407450.1); c.8390A>G, p.Lys2797Arg (NM_001127511.3); c.8498A>G, p.Lys2833Arg (NM_001354896.2, NM_001407447.1, NM_001407448.1 and 1 more transcripts); c.8474A>G, p.Lys2825Arg (NM_001354897.2); c.8369A>G, p.Lys2790Arg (NM_001354898.2); and 11 more; short protein forms K2431R, K2655R, K2686R, K2689R, K2787R, K2825R, K2843R, K2532R.
Identifiers: ClinVar variation 2566950 (VCV002566950.2), dbSNP rs2150005507, ClinGen allele CA16039650.
Genomic context (GRCh38, chr5:112,844,038, plus strand): 5'-CAGATAGCACTTCAGCTCGGCCATCTCAGATCCCAACTCCAGTGAATAACAACACAAAGA[A>G]GCGAGATTCCAAAACTGACAGCACAGAATCCAGTGGAACCCAAAGTCCTAAGCGCCATTC-3'
Protein context (NP_000029.2, residues 2805-2825): IPTPVNNNTK[Lys2815Arg]RDSKTDSTES

ClinVar aggregate classification (germline): Uncertain significance (1 of 4 stars; one submission).

Conditions:
Hereditary cancer-predisposing syndrome. Also called: Hereditary neoplastic syndrome; Hereditary Cancer Syndrome; Neoplastic Syndromes, Hereditary; Tumor predisposition. Identifiers: Orphanet 140162, MedGen C0027672, MeSH D009386, MONDO:0015356.

Submission:

Ambry Genetics
Classification: Uncertain significance for Hereditary cancer-predisposing syndrome. Last evaluated: 2023-04-18. Review status: criteria provided, single submitter. Criteria: Ambry Variant Classification Scheme 2023. Collection method: clinical testing. Allele origin: germline.
Comment: The p.K2815R variant (also known as c.8444A>G), located in coding exon 15 of the APC gene, results from an A to G substitution at nucleotide position 8444. The lysine at codon 2815 is replaced by arginine, an amino acid with highly similar properties. This amino acid position is highly conserved in available vertebrate species. In addition, in silico predictors for this gene do not accurately predict pathogenicity. Since supporting evidence is limited at this time, the clinical significance of this alteration remains unclear.